The following is an entry in ClinVar:

ClinVar aggregate classification (germline): Uncertain significance (1 of 4 stars; one submission).

gnomAD v4.1: 45 of 1,614,062 alleles (0.0028%); highest among the groups gnomAD compares: Non-Finnish European, 0.0036%; no homozygotes.

Submission:

GeneDx
Classification: Uncertain significance. Last evaluated: 2026-03-31. Review status: criteria provided, single submitter. Criteria: GeneDx Variant Classification Process June 2021. Collection method: clinical testing. Allele origin: germline.
Comment: In silico analysis suggests that this missense variant does not alter protein structure/function; Has not been previously published as pathogenic or benign to our knowledge

NM_018117.12(WDR11):c.3445T>C (p.Tyr1149His)

Gene: WDR11 (WD repeat domain 11; plus strand). Cytogenetic location: 10q26.12.
Variant type: single nucleotide variant.
Coding change: c.3445T>C on transcript NM_018117.12 (MANE Select); coding-DNA position 3445, T replaced by C.
Protein change: p.Tyr1149His; replaces tyrosine 1149 with histidine.
Molecular consequence: missense variant.
Genome position (GRCh38, 1-based): chr10:120,906,783, T>C. VCF-style: chr10-120906783-T-C. GRCh37 (hg19) VCF-style: chr10-122666295-T-C.
Other names: short protein forms Y1149H.
Identifiers: ClinVar variation 5016887 (VCV005016887.1).